The following is an entry in ClinVar:

ClinVar aggregate classification (germline): Uncertain significance (1 of 4 stars; one submission).

Submission:

CeGaT Center for Human Genetics Tuebingen
Classification: Uncertain significance. Last evaluated: 2022-03-01. Review status: criteria provided, single submitter. Criteria: CeGaT Center For Human Genetics Tuebingen Variant Classification Criteria Version 2. Collection method: clinical testing. Allele origin: germline. Affected: yes. Observed: 1 variant allele.
Comment: KLHL15: PM2, PVS1:Supporting

NM_030624.3(KLHL15):c.856C>T (p.Arg286Ter)

Gene: KLHL15 (kelch like family member 15; minus strand). Cytogenetic location: Xp22.11.
Variant type: single nucleotide variant.
Coding change: c.856C>T on transcript NM_030624.3 (MANE Select); coding-DNA position 856, C replaced by T.
Protein change: p.Arg286Ter; replaces arginine 286 with a stop codon.
Molecular consequence: nonsense.
Genome position (GRCh38, 1-based): chrX:23,988,880, G>A on the plus strand (C>T on the coding strand, the complement: KLHL15 is on the minus strand). VCF-style: chrX-23988880-G-A. GRCh37 (hg19) VCF-style: chrX-24006997-G-A.
Other names: short protein forms R286*.
Identifiers: ClinVar variation 1676147 (VCV001676147.33), dbSNP rs2147096028, ClinGen allele CA412592677.